The following is an entry in ClinVar:

NM_000243.3(MEFV):c.2076_2078del (p.Ile692del)

Genes: MEFV (MEFV innate immunity regulator, pyrin; minus strand), LOC126862264 (CDK7 strongly-dependent group 2 enhancer GRCh37_chr16:3293322-3294521; plus strand). Cytogenetic location: 16p13.3.
Variant type: Deletion.
Coding change: c.2076_2078del on transcript NM_000243.3 (MANE Select); coding-DNA positions 2076 to 2078, 3 bases deleted (AAT; older notation c.2076_2078delAAT).
Protein change: p.Ile692del; deletes isoleucine 692.
Genome position (GRCh38, 1-based): chr16:3,243,409-3,243,411, ATT deleted on the plus strand (AAT on the coding strand, the reverse complement: MEFV is on the minus strand); deleting any 3 consecutive bases within chr16:3,243,409-3,243,413 gives the same sequence; the c. name uses the placement nearest the transcript's 3' end. VCF-style (leftmost placement, unchanged base first): chr16-3243408-CATT-C. GRCh37 (hg19) VCF-style: chr16-3293408-CATT-C.
Other names: I692delI; MEFV, 3-BP DEL, ILE692DEL; c.2076_2078delAAT (NM_000243.3, NM_000243.2); c.*280_*282del (NM_001198536.2); short protein forms I692del.
Identifiers: ClinVar variation 97485 (VCV000097485.42), dbSNP rs104895093, ClinGen allele CA280501.

ClinVar aggregate classification (germline): Conflicting classifications of pathogenicity. Review status: criteria provided, conflicting classifications (1 of 4 stars). 20 submissions from 20 submitters: Pathogenic (11); Likely pathogenic (4); Uncertain significance (1). 4 of the submissions do not count toward it. Last evaluated 2026-06-01.

Conditions:
MEFV-related disorder. Also called: MEFV-related disorders; MEFV-related condition.
Autoinflammatory syndrome. Identifiers: Orphanet 93665, MedGen C3890737, MONDO:0019751.
Familial Mediterranean fever (FMF). Also called: POLYSEROSITIS, FAMILIAL PAROXYSMAL; POLYSEROSITIS, RECURRENT; Periodic peritonitis; Benign paroxysmal peritonitis. Identifiers: Orphanet 342, MedGen C0031069, MONDO:0018088, OMIM 249100. Disease mechanism: gain of function.
Familial Mediterranean fever, autosomal dominant. Also called: Dominant Familial Mediterranean Fever; FMF, AUTOSOMAL DOMINANT. Identifiers: Orphanet 342, MedGen C1851347, MONDO:0007601, OMIM 134610.

Submissions 1 to 7 of 20:

CeGaT Center for Human Genetics Tuebingen
Classification: Pathogenic. Last evaluated: 2026-06-01. Review status: criteria provided, single submitter. Criteria: CeGaT Center For Human Genetics Tuebingen Variant Classification Criteria Version 2. Collection method: clinical testing. Allele origin: germline. Affected: yes. Observed: 1 variant allele.
Comment: MEFV: PM3:Very Strong, PM2, PM4:Supporting, PS3:Supporting

Labcorp Genetics (formerly Invitae), Labcorp
Classification: Uncertain significance for Familial Mediterranean fever. Last evaluated: 2025-12-23. Review status: criteria provided, single submitter. Criteria: Invitae Variant Classification Sherloc (09022015). Collection method: clinical testing. Allele origin: germline.
Comment: This variant, c.2076_2078del, results in the deletion of 1 amino acid(s) of the MEFV protein (p.Ile692del), but otherwise preserves the integrity of the reading frame. This variant is present in population databases (rs104895093, gnomAD no frequency). This variant has been observed in individual(s) with familial Mediterranean fever (PMID: 9668175, 14578331, 15018633, 17566872, 19253030, 21246368, 21413889, 22019805, 25648235, 28302131, 29047407, 29379228; internal data). In at least one individual the data is consistent with being in trans (on the opposite chromosome) from a pathogenic variant. ClinVar contains an entry for this variant (Variation ID: 97485). Experimental studies and prediction algorithms are not available or were not evaluated, and the functional significance of this variant is currently unknown. In summary, the available evidence is currently insufficient to determine the role of this variant in disease. Therefore, it has been classified as a Variant of Uncertain Significance.

Women's Health and Genetics/Laboratory Corporation of America, LabCorp
Classification: Likely pathogenic for Familial Mediterranean fever. Last evaluated: 2025-06-23. Review status: criteria provided, single submitter. Criteria: LabCorp Variant Classification Summary - May 2015. Collection method: clinical testing. Allele origin: germline.
Comment: Variant summary: MEFV c.2076_2078delAAT (p.Ile692del) results in an in-frame deletion that is predicted to remove one amino acid from the encoded protein. The variant allele was found at a frequency of 7.9e-06 in 252200 control chromosomes (gnomAD). c.2076_2078delAAT has been observed in multiple individuals affected with Familial Mediterranean Fever across several countries, including cases where it has been observed in trans with a pathogenic variant (e.g. Bernot_1998, Tchernitchko_2003, Medlej-Hashim_2005, Chaabouni_2007, Singh-Grewal_2007, Sabbagh_2008, El Garf_2010, Jardour_2010, Berdeli_2011, Salehzadeh_2015, Ait-Idir_2017). These data indicate that the variant is very likely to be associated with disease. However, this variant mostly associates in cis with p.E148Q, a common variant with controversial pathogenicity and/or low penetrance, and thus there are fewer cases where the variant has been observed in isolation from which to definitively determine its association with the disease phenotype. At least one publication reports experimental evidence evaluating an impact of the variant on protein function (Honda_2021) and found that the variant was more responsive to TcdA- and UCN-01-induced cell death compared to the WT protein, suggesting it has an effect on protein function, yet the significance of this finding in a clinical context are not clear. Therefore this study does not allow for unequivocal conclusions about the variant effect. The following publications have been ascertained in the context of this evaluation (PMID: 10364520, 9668175, 14578331, 19253030, 20165923, 17566872, 16378925, 21413889, 10737992, 15018633, 22019805, 20485448, 19777236, 18496034, 17934081, 25648235, 33733382, 27956278, 17276496). ClinVar contains an entry for this variant (Variation ID: 97485). Based on the evidence outlined above, the variant was classified as likely pathogenic.

Victorian Clinical Genetics Services, Murdoch Childrens Research Institute
Classification: Pathogenic for Familial Mediterranean fever. Last evaluated: 2025-04-22. Review status: criteria provided, single submitter. Criteria: ACMG Guidelines, 2015. Collection method: clinical testing. Allele origin: germline. Affected: yes.
Comment: This variant is classified as Pathogenic. Evidence in support of pathogenic classification: In-frame insertion/deletion in a non-repetitive region that has low conservation; Variant is present in gnomAD <0.01 (v4: 2 heterozygote(s), 0 homozygote(s)); This variant has strong previous evidence of pathogenicity in unrelated individuals. This variant has been classified as pathogenic or likely pathogenic by multiple clinical laboratories in ClinVar. It has also been reported in the literature in a compound heterozygous state in individuals with familial Mediterranean fever (PMIDs: 17566872, 35812376). Additional information: This variant is heterozygous; This gene is associated with both recessive and dominant disease. Familial Mediterranean fever is mostly autosomal recessive, however approximately 31% of individuals with clinical familial Mediterranean fever lack a second disease-associated variant (PMID: 29393966, 31088470); No comparable in-frame deletion variants have previous evidence for pathogenicity; Variant is located in the annotated SPRY domain (DECIPHER); Gain of function is a known mechanism of disease in this gene and is associated with familial Mediterranean fever (MIM#134610, MIM# 249100). Mouse models have shown a gain of function disease mechanism (PMID: 21600797), however, there has been some controversy as to whether this is due to a loss of an inhibitor or gain of pro-inflammatory function (PMID: 31088470); Incomplete penetrance has been reported for variants in this gene (PMID: 11528510, 29393966). Penetrance for autosomal dominant familial Mediterranean fever is incomplete, and the clinical severity is reduced compared to autosomal recessive familial Mediterranean fever (PMID: 20301405); Variants in this gene are known to have variable expressivity. There is variability of clinical symptoms in individuals with the same variants, even within the same family (PMID: 29393966). Previous studies have identified significant effects of modifying genes and environmental factors on the clinical phenotypes (PMID: 31088470); Heterozygous variant detected in trans with a second PATHOGENIC heterozygous variant (NM_000243.3(MEFV):c.2177T>C; p.(Val726Ala)) in a recessive disease.

Natera, Inc.
Classification: Likely pathogenic for Familial Mediterranean fever. Last evaluated: 2025-04-14. Review status: criteria provided, single submitter. Criteria: Natera Variant Classification Schema (03/2026). Collection method: clinical testing. Allele origin: germline.
Comment: The c.2076_2078del variant in MEFV is an in-frame deletion predicted to remove isoleucine at amino acid 692 while preserving the reading frame. This variant is rare in the general population with a frequency below the threshold expected for the associated phenotype(s). This variant has been observed in one or more individuals affected with the associated recessive disease, as either homozygous or compound heterozygous with a second variant (PMID: 17276496, 22019805). This variant results in a change to the protein length while preserving reading frame, which may disrupt normal protein structure or function. Given the available evidence, this variant is classified as Likely Pathogenic.

Dasa
Classification: Likely pathogenic. Last evaluated: 2024-10-30. Review status: criteria provided, single submitter. Criteria: DASA Assertion Criteria. Collection method: clinical testing. Allele origin: germline.
Comment: NM_000243.3(MEFV):c.2076_2078del (p.Ile692del) is an in-frame deletion predicted to remove isoleucine at protein position 692 without shifting the reading frame. This variant has been recurrently observed in individuals with MEFV-related disorders (PMID: 19253030; PMID: 22975760; PMID: 23907647; PMID: 9668175; PMID: 10737995). Also, this variant is rare in population databases. Based on the currently available evidence, this variant is classified as likely pathogenic.

Baylor Genetics
Classification: Pathogenic for Familial Mediterranean fever, autosomal dominant. Last evaluated: 2023-11-29. Review status: criteria provided, single submitter. Criteria: ACMG Guidelines, 2015. Collection method: clinical testing. Allele origin: unknown.